The following is an entry in ClinVar:

ClinVar aggregate classification (germline): Uncertain significance (1 of 4 stars; one submission).

Conditions:
Pitt-Hopkins-like syndrome 2 (PTHSL2). Identifiers: Orphanet 221150, Orphanet 600663, MedGen C3280479, MONDO:0013690, OMIM 614325.

Submission:

Labcorp Genetics (formerly Invitae), Labcorp
Classification: Uncertain significance for Pitt-Hopkins-like syndrome 2. Last evaluated: 2023-06-18. Review status: criteria provided, single submitter. Criteria: Invitae Variant Classification Sherloc (09022015). Collection method: clinical testing. Allele origin: unknown.
Comment: In summary, the available evidence is currently insufficient to determine the role of this variant in disease. Therefore, it has been classified as a Variant of Uncertain Significance. Experimental studies and prediction algorithms are not available or were not evaluated, and the functional significance of this variant is currently unknown. This variant has not been reported in the literature in individuals affected with NRXN1-related conditions. This variant results in a copy number gain of the genomic region encompassing exon(s) 20-22 of the NRXN1 gene. While the exact position of this variant cannot be determined from the data, sub-genic copy number gains are generally in tandem (PMID: 25640679). This variant is predicted to be in-frame, and likely preserves the integrity of the reading frame.

Literature cited by the submitters: PubMed 25640679.

NC_000002.11:g.(?_50280389)_(50318652_?)dup

Gene: NRXN1 (neurexin 1; minus strand). Cytogenetic location: 2p16.3.
Variant type: Duplication.
Identifiers: ClinVar variation 3247390 (VCV003247390.1).